The following is an entry in ClinVar:

NM_001165963.4(SCN1A):c.4531del (p.Ala1510_Met1511insTer)

Genes: SCN1A (sodium voltage-gated channel alpha subunit 1; minus strand), LOC102724058 (uncharacterized LOC102724058; plus strand). Cytogenetic location: 2q24.3.
Variant type: Deletion.
Coding change: c.4531del on transcript NM_001165963.4 (MANE Select); coding-DNA position 4531, one base deleted (A; older notation c.4531delA).
Protein change: p.Ala1510_Met1511insTer.
Molecular consequence: nonsense. On other transcripts: non-coding transcript variant (1).
Genome position (GRCh38, 1-based): chr2:165,996,063, T deleted on the plus strand (A on the coding strand, the reverse complement: SCN1A is on the minus strand); the first of 2 consecutive T bases (chr2:165,996,063-165,996,064); deleting either gives the same sequence. VCF-style (leftmost placement, unchanged base first): chr2-165996062-AT-A. GRCh37 (hg19) VCF-style: chr2-166852572-AT-A.
Other names: c.4447del, p.Ala1482_Met1483insTer (NM_001165964.3, NM_001353957.2, NM_001353958.2); c.4531del, p.Ala1510_Met1511insTer (NM_001202435.3, NM_001353948.2); c.4498del, p.Ala1499_Met1500insTer (NM_001353949.2, NM_001353950.2, NM_001353951.2 and 2 more transcripts); c.4495del, p.Ala1498_Met1499insTer (NM_001353954.2, NM_001353955.2); c.4444del, p.Ala1481_Met1482insTer (NM_001353960.2); c.2089del, p.Ala696_Met697insTer (NM_001353961.2).
Identifiers: ClinVar variation 945240 (VCV000945240.8), dbSNP rs1690001575, ClinGen allele CA1139655705.

ClinVar aggregate classification (germline): Pathogenic (1 of 4 stars; one submission).

Conditions:
Early-infantile DEE. Also called: Early infantile epileptic encephalopathy; Ohtahara syndrome; Early infantile epileptic encephalopathy with suppression bursts. Identifiers: Orphanet 1934, MedGen C0393706, MONDO:0800491.

Submission:

Labcorp Genetics (formerly Invitae), Labcorp
Classification: Pathogenic for Early-infantile DEE. Last evaluated: 2019-05-08. Review status: criteria provided, single submitter. Criteria: Invitae Variant Classification Sherloc (09022015). Collection method: clinical testing. Allele origin: germline.
Comment: For these reasons, this variant has been classified as Pathogenic. Loss-of-function variants in SCN1A are known to be pathogenic (PMID: 17347258, 18930999). This variant has not been reported in the literature in individuals with SCN1A-related conditions. This variant is not present in population databases (ExAC no frequency). This sequence change creates a premature translational stop signal (p.Met1511*) in the SCN1A gene. It is expected to result in an absent or disrupted protein product.

Literature cited by the submitters: PubMed 17347258; PubMed 18930999.